The following is an entry in ClinVar:

NM_001242957.3(MAK):c.1715T>C (p.Ile572Thr)

Gene: MAK (male germ cell associated kinase; minus strand). Cytogenetic location: 6p24.2.
Variant type: single nucleotide variant.
Coding change: c.1715T>C on transcript NM_001242957.3 (MANE Select); coding-DNA position 1715, T replaced by C.
Protein change: p.Ile572Thr; replaces isoleucine 572 with threonine.
Molecular consequence: missense variant. On other transcripts: non-coding transcript variant (2), intron variant (2).
Genome position (GRCh38, 1-based): chr6:10,770,188, A>G on the plus strand (T>C on the coding strand, the complement: MAK is on the minus strand). VCF-style: chr6-10770188-A-G. GRCh37 (hg19) VCF-style: chr6-10770421-A-G.
Other names: c.1640T>C, p.Ile547Thr (NM_005906.6); c.1495+5140T>C (NM_001377262.1); c.1597+5140T>C (NM_001242385.2); short protein forms I572T, I547T.
Identifiers: ClinVar variation 194362 (VCV000194362.69), dbSNP rs79544660, ClinGen allele CA201139.
Genomic context (GRCh38, chr6:10,770,188, plus strand): 5'-AGAGGTGCTAAGTGGATCCTCTGGCCAGCTGACTGCACTTCTTTTTTGAGAAAGGAAGGA[A>G]TATATCCTGACTGATTGTAAGTAGCATAACTTCCAAGATTTCCTAGTGACATATCATAAA-3'
Protein context (NP_001229886.1, residues 562-582): SYATYNQSGY[Ile572Thr]PSFLKKEVQS

ClinVar aggregate classification (germline): Benign/Likely benign. Review status: criteria provided, multiple submitters, no conflicts (2 of 4 stars). 8 submissions from 8 submitters: Benign (2); Likely benign (5). 1 of the submissions does not count toward it. Last evaluated 2026-02-04.

Conditions:
Retinitis pigmentosa 62 (RP62). Identifiers: Orphanet 791, MedGen C3280042, MONDO:0013611, OMIM 614181.

Allele frequency attached by ClinVar (database versions not stated): ExAC 0.00335; 1000 Genomes Project 0.00359; 1000 Genomes Project 30x 0.00406; gnomAD 0.00469 and 0.00488; TOPMed 0.00493; ESP Exome Variant Server 0.00538.
gnomAD v4.1: 5,638 of 1,614,144 alleles (0.35%); highest among the groups gnomAD compares: Middle Eastern, 1.1%; 26 homozygotes.

Submissions (8):

Labcorp Genetics (formerly Invitae), Labcorp
Classification: Benign. Last evaluated: 2026-02-04. Review status: criteria provided, single submitter. Criteria: Invitae Variant Classification Sherloc (09022015). Collection method: clinical testing. Allele origin: germline.

Blueprint Genetics
Classification: Likely benign. Last evaluated: 2024-11-25. Review status: criteria provided, single submitter. Criteria: ACMG Guidelines, 2015. Collection method: clinical testing. Allele origin: germline.

ARUP Laboratories, Molecular Genetics and Genomics, ARUP Laboratories
Classification: Likely benign for Retinitis pigmentosa 62. Last evaluated: 2023-11-29. Review status: criteria provided, single submitter. Criteria: ARUP Molecular Germline Variant Investigation Process 2024. Collection method: clinical testing. Allele origin: germline.

CeGaT Center for Human Genetics Tuebingen
Classification: Likely benign. Last evaluated: 2018-04-01. Review status: criteria provided, single submitter. Criteria: CeGaT Center For Human Genetics Tuebingen Variant Classification Criteria Version 2. Collection method: clinical testing. Allele origin: germline. Affected: yes. Observed: 1 variant allele.

Clinical Genetics DNA and cytogenetics Diagnostics Lab, Erasmus MC, Erasmus Medical Center
Classification: Likely benign for Retinitis pigmentosa 62. Last evaluated: 2017-06-28. Review status: criteria provided, single submitter. Criteria: ACGS Guidelines, 2013. Collection method: clinical testing. Allele origin: germline. Affected: yes. Study: VKGL Data-share Consensus.

Institute for Genomic Medicine (IGM) Clinical Laboratory, Nationwide Children's Hospital
Classification: Likely benign. Last evaluated: 2017-05-08. Review status: criteria provided, single submitter. Criteria: ACMG Guidelines, 2015. Collection method: clinical testing. Allele origin: germline.
Comment: BS1,BP4; This alteration has an allele frequency that is greater than expected for the associated disease, and is predicted to be tolerated by multiple functional prediction tools.

Eurofins Ntd Llc (ga)
Classification: Benign. Last evaluated: 2015-05-18. Review status: criteria provided, single submitter. Criteria: EGL Classification Definitions 2015. Collection method: clinical testing. Allele origin: germline. Observed: 1 variant allele, 1 heterozygote.

Clinical Genetics, Academic Medical Center
Classification: Likely benign. Review status: no assertion criteria provided. Collection method: clinical testing. Allele origin: germline. Affected: yes. Study: VKGL Data-share Consensus. Not counted in ClinVar's aggregate classification.